The following is an entry in ClinVar:

ClinVar aggregate classification (germline): Likely pathogenic (1 of 4 stars; one submission).

Conditions:
Hereditary cancer-predisposing syndrome. Also called: Neoplastic Syndromes, Hereditary; Tumor predisposition; Hereditary Cancer Syndrome; Hereditary neoplastic syndrome. Identifiers: Orphanet 140162, MedGen C0027672, MeSH D009386, MONDO:0015356.

Submission:

Ambry Genetics
Classification: Likely pathogenic for Hereditary cancer-predisposing syndrome. Last evaluated: 2016-04-22. Review status: criteria provided, single submitter. Criteria: Ambry Variant Classification Scheme 2023. Collection method: clinical testing. Allele origin: germline.
Comment: The c.4002-1G>A intronic variant results from a G to A substitution one nucleotide upstream from coding exon 10 of the MSH6 gene. This variant was not reported in population based cohorts in the following databases: Database of Single Nucleotide Polymorphisms (dbSNP), NHLBI Exome Sequencing Project (ESP), and 1000 Genomes Project. In the ESP, this variant was not observed in 6503 samples (13006 alleles) with coverage at this position. To date, this alteration has been detected with an allele frequency of approximately 0.001% (greater than 115000 alleles tested) in our clinical cohort. This nucleotide position is highly conserved in available vertebrate species. Using the BDGP and ESEfinder splice site prediction tools, this alteration is predicted to create a new alternate splice acceptor site; however, direct evidence is unavailable. Alterations that disrupt the canonical splice acceptor site are typically deleterious in nature (ACMG Recommendations for Standards for Interpretation and Reporting of Sequence Variations. Revision 2007. Genet Med. 2008;10:294). As such, the c.4002-1G>A variant is classified as likely pathogenic.

NM_000179.3(MSH6):c.4002-1G>A

Gene: MSH6 (mutS homolog 6; plus strand). Cytogenetic location: 2p16.3.
Variant type: single nucleotide variant.
Coding change: c.4002-1G>A on transcript NM_000179.3 (MANE Select); the canonical splice acceptor site of the intron before coding-DNA position 4002, G replaced by A.
Molecular consequence: splice acceptor variant. On other transcripts: intron variant (3).
Genome position (GRCh38, 1-based): chr2:47,806,778, G>A. VCF-style: chr2-47806778-G-A. GRCh37 (hg19) VCF-style: chr2-48033917-G-A.
Other names: c.4002-1G>A (NM_001406809.1, NM_001406796.1); c.3096-1G>A (NM_001406811.1, NM_001406814.1, NM_001281493.2 and 6 more transcripts); c.3705-1G>A (NM_001406805.1, NM_001406797.1, NM_001406818.1 and 8 more transcripts); c.4098-1G>A (NM_001406795.1); c.3898-1G>A (NM_001406802.1); c.4008-1G>A (NM_001406813.1); c.3477-1G>A (NM_001406807.1, NM_001406799.1, NM_001406806.1); c.4002-6G>A (NM_001406808.1); and 11 more.
Identifiers: ClinVar variation 483802 (VCV000483802.5), dbSNP rs1302369946, ClinGen allele CA346761618.